The following is an entry in ClinVar:

ClinVar aggregate classification (germline): Uncertain significance. Review status: criteria provided, multiple submitters, no conflicts (2 of 4 stars). 3 submissions from 3 submitters: Uncertain significance (3). Last evaluated 2025-03-11.

Conditions:
Cardiovascular phenotype. Identifiers: MedGen CN230736.
Long QT syndrome (LQTS). Identifiers: MedGen C0023976, MeSH D008133, MONDO:0002442. Disease mechanism: loss of function. Inheritance: Various modes of inheritance.
Short QT syndrome type 1. Identifiers: Orphanet 51083, MedGen C1865020, MONDO:0012312, OMIM 609620.

Allele frequency attached by ClinVar (database versions not stated): gnomAD exomes 0.00003; gnomAD 0.00002; TOPMed 0.00002.
gnomAD v4.1: 24 of 1,371,402 alleles (0.0018%); highest among the groups gnomAD compares: Admixed American, 0.0033%; no homozygotes.

Submissions (3):

Labcorp Genetics (formerly Invitae), Labcorp
Classification: Uncertain significance for Long QT syndrome. Last evaluated: 2025-03-11. Review status: criteria provided, single submitter. Criteria: Invitae Variant Classification Sherloc (09022015). Collection method: clinical testing. Allele origin: germline.
Comment: This sequence change replaces arginine, which is basic and polar, with glutamine, which is neutral and polar, at codon 252 of the KCNH2 protein (p.Arg252Gln). The frequency data for this variant in the population databases is considered unreliable, as metrics indicate poor data quality at this position in the gnomAD database. This variant has not been reported in the literature in individuals affected with KCNH2-related conditions. ClinVar contains an entry for this variant (Variation ID: 180380). An algorithm developed to predict the effect of missense changes on protein structure and function outputs the following: PolyPhen-2: "Benign". The glutamine amino acid residue is found in multiple mammalian species, which suggests that this missense change does not adversely affect protein function. In summary, the available evidence is currently insufficient to determine the role of this variant in disease. Therefore, it has been classified as a Variant of Uncertain Significance.

Ambry Genetics
Classification: Uncertain significance for Cardiovascular phenotype. Last evaluated: 2024-11-13. Review status: criteria provided, single submitter. Criteria: Ambry Variant Classification Scheme 2023. Collection method: clinical testing. Allele origin: germline.
Comment: The p.R252Q variant (also known as c.755G>A), located in coding exon 4 of the KCNH2 gene, results from a G to A substitution at nucleotide position 755. The arginine at codon 252 is replaced by glutamine, an amino acid with highly similar properties. This amino acid position is not well conserved in available vertebrate species. In addition, the in silico prediction for this alteration is inconclusive. Based on the available evidence, the clinical significance of this variant remains unclear.

Clinical Genomics Laboratory, Stanford Medicine
Classification: Uncertain significance for Short QT syndrome type 1. Last evaluated: 2021-07-02. Review status: criteria provided, single submitter. Criteria: ACMG Guidelines, 2015. Collection method: clinical testing. Allele origin: germline. Affected: yes. Observed: 1 heterozygote.
Comment: The p.Arg252Gln variant in the KCNH2gene has not been previously reported in association with disease.This variant has been identified in 2/64,380 chromosomes by the Genome Aggregation Database.Notably, this region is indicated to have low coverage.The arginine at position 252 is poorly evolutionarily conserved and severalspecies have a glutamine at this position.Computational tools predict that the p.Arg252Gln variant is deleterious; however, the accuracy of in silicoalgorithms is limited.These data were assessed using the ACMG/AMP variant interpretation guidelines. In summary, the significance of thep.Arg252Glnvariant is uncertain. Additional information is needed to resolve the significance of this variant. [ACMG evidence codes used: PP3]

NM_000238.4(KCNH2):c.755G>A (p.Arg252Gln)

Gene: KCNH2 (potassium voltage-gated channel subfamily H member 2; minus strand). Cytogenetic location: 7q36.1.
Variant type: single nucleotide variant.
Coding change: c.755G>A on transcript NM_000238.4 (MANE Select); coding-DNA position 755, G replaced by A.
Protein change: p.Arg252Gln; replaces arginine 252 with glutamine.
Molecular consequence: missense variant.
Genome position (GRCh38, 1-based): chr7:150,958,220, C>T on the plus strand (G>A on the coding strand, the complement: KCNH2 is on the minus strand). VCF-style: chr7-150958220-C-T. GRCh37 (hg19) VCF-style: chr7-150655308-C-T.
Other names: p.Arg252Gln; c.467G>A, p.Arg156Gln (NM_001406753.1, NM_001406756.1); c.578G>A, p.Arg193Gln (NM_001406755.1); c.455G>A, p.Arg152Gln (NM_001406757.1); c.755G>A, p.Arg252Gln (NM_172056.3); short protein forms R252Q, R152Q, R156Q, R193Q.
Identifiers: ClinVar variation 180380 (VCV000180380.10), dbSNP rs730880117, ClinGen allele CA008760.